The following is an entry in ClinVar:

ClinVar aggregate classification (germline): Likely pathogenic. Review status: criteria provided, multiple submitters, no conflicts (2 of 4 stars). 2 submissions from 2 submitters: Likely pathogenic (2). Last evaluated 2025-11-01.

Conditions:
TTN-related disorder. Also called: TTN-related condition; TTN-related disease; TTN-related disorders.

Submissions (2):

CeGaT Center for Human Genetics Tuebingen
Classification: Likely pathogenic. Last evaluated: 2025-11-01. Review status: criteria provided, single submitter. Criteria: CeGaT Center For Human Genetics Tuebingen Variant Classification Criteria Version 2. Collection method: clinical testing. Allele origin: germline. Affected: yes. Observed: 1 variant allele.
Comment: TTN: PVS1:Strong, PM2

Blueprint Genetics
Classification: Likely pathogenic for TTN-related disorders. Last evaluated: 2024-08-29. Review status: criteria provided, single submitter. Criteria: ACMG Guidelines, 2015. Collection method: clinical testing. Allele origin: germline. Affected: yes. Observed: 2 variant alleles.

NM_001267550.2(TTN):c.99821del (p.Asn33274fs)

Genes: TTN (titin; minus strand), TTN-AS1 (TTN antisense RNA 1; plus strand), LOC126806420 (BRD4-independent group 4 enhancer GRCh37_chr2:179401104-179402303; plus strand). Cytogenetic location: 2q31.2.
Variant type: Deletion.
Coding change: c.99821del on transcript NM_001267550.2 (MANE Select); coding-DNA position 99821, one base deleted (A; older notation c.99821delA).
Protein change: p.Asn33274fs; shifts the reading frame from asparagine 33274.
Molecular consequence: frameshift variant. On other transcripts: non-coding transcript variant (1).
Genome position (GRCh38, 1-based): chr2:178,537,386, T deleted on the plus strand (A on the coding strand, the reverse complement: TTN is on the minus strand); the first of 2 consecutive T bases (chr2:178,537,386-178,537,387); deleting either gives the same sequence. VCF-style (leftmost placement, unchanged base first): chr2-178537385-AT-A. GRCh37 (hg19) VCF-style: chr2-179402112-AT-A.
Other names: c.94898del, p.Asn31633fs (NM_001256850.1); c.72626del, p.Asn24209fs (NM_003319.4); c.92117del, p.Asn30706fs (NM_133378.4); c.73001del, p.Asn24334fs (NM_133432.3); c.73202del, p.Asn24401fs (NM_133437.4); short protein forms N24209fs, N24334fs, N24401fs, N30706fs, N31633fs, N33274fs.
Identifiers: ClinVar variation 4534804 (VCV004534804.7).